The following is an entry in ClinVar:

NM_000548.5(TSC2):c.3284+1G>C

Gene: TSC2 (TSC complex subunit 2; plus strand). Cytogenetic location: 16p13.3.
Variant type: single nucleotide variant.
Coding change: c.3284+1G>C on transcript NM_000548.5 (MANE Select); the canonical splice donor site of the intron after coding-DNA position 3284, G replaced by C.
Molecular consequence: splice donor variant.
Genome position (GRCh38, 1-based): chr16:2,079,429, G>C. VCF-style: chr16-2079429-G-C. GRCh37 (hg19) VCF-style: chr16-2129430-G-C.
Other names: c.1811+1G>C (NM_001406693.1, NM_001406690.1, NM_001406692.1 and 1 more transcripts); c.3245+1G>C (NM_001406667.1); c.3242+1G>C (NM_001406668.1); c.2684+1G>C (NM_001406680.1, NM_001406683.1, NM_001406682.1); c.2552+1G>C (NM_001406687.1, NM_001318831.2, NM_001406688.1); c.1940+1G>C (NM_001406689.1); c.1808+1G>C (NM_001406691.1, NM_001406697.1, NM_001406695.1 and 1 more transcripts); c.1550+1G>C (NM_001406698.1); and 18 more.
Identifiers: ClinVar variation 65245 (VCV000065245.4), dbSNP rs45517289, ClinGen allele CA018815.

ClinVar aggregate classification (germline): Pathogenic. Review status: criteria provided, multiple submitters, no conflicts (2 of 4 stars). 3 submissions from 3 submitters: Pathogenic (2). 1 of the submissions does not count toward it. Last evaluated 2024-06-12.

Conditions:
Tuberous sclerosis syndrome (TSC). Also called: Tuberous Sclerosis Complex; Tuberous sclerosis. Identifiers: Orphanet 805, MedGen C0041341, MONDO:0001734.
Isolated focal cortical dysplasia type II (FCORD2). Also called: CORTICAL DYSPLASIA OF TAYLOR; Focal cortical dysplasia type II. Identifiers: Orphanet 268994, MedGen C1846385, MONDO:0011818, OMIM 607341, HP:0032051.
Tuberous sclerosis 2 (TSC2). Identifiers: Orphanet 805, MedGen C1860707, MONDO:0013199, OMIM 613254.
Lymphangiomyomatosis (LAM). Also called: Lymphangioleiomyomatosis; Lymphangioleiomyomatosis, somatic. Identifiers: Orphanet 538, MedGen C0751674, MONDO:0011705, OMIM 606690.

Submissions (3):

Fulgent Genetics
Classification: Pathogenic for Lymphangiomyomatosis; Isolated focal cortical dysplasia type II; Tuberous sclerosis 2. Last evaluated: 2024-06-12. Review status: criteria provided, single submitter. Criteria: ACMG Guidelines, 2015. Collection method: clinical testing. Allele origin: germline.

Labcorp Genetics (formerly Invitae), Labcorp
Classification: Pathogenic for Tuberous sclerosis 2. Last evaluated: 2024-03-06. Review status: criteria provided, single submitter. Criteria: Invitae Variant Classification Sherloc (09022015). Collection method: clinical testing. Allele origin: germline.
Comment: This sequence change affects a donor splice site in intron 28 of the TSC2 gene. It is expected to disrupt RNA splicing. Variants that disrupt the donor or acceptor splice site typically lead to a loss of protein function (PMID: 16199547), and loss-of-function variants in TSC2 are known to be pathogenic (PMID: 10205261, 17304050). This variant is not present in population databases (gnomAD no frequency). Disruption of this splice site has been observed in individual(s) with tuberous sclerosis complex (PMID: 22490766). ClinVar contains an entry for this variant (Variation ID: 65245). Algorithms developed to predict the effect of sequence changes on RNA splicing suggest that this variant may disrupt the consensus splice site. For these reasons, this variant has been classified as Pathogenic.

Tuberous sclerosis database (TSC2)
No classification provided. Condition: TSC. Review status: no classification provided. Criteria: Tuberous Sclerosis Database Assertion Criteria 2015. Collection method: curation. Allele origin: germline. Affected: yes. Not counted in ClinVar's aggregate classification.

Literature cited by the submitters: PubMed 16199547 (cited by Labcorp Genetics (formerly Invitae), Labcorp); PubMed 10205261 (cited by Labcorp Genetics (formerly Invitae), Labcorp); PubMed 17304050 (cited by Labcorp Genetics (formerly Invitae), Labcorp); PubMed 22490766 (cited by Labcorp Genetics (formerly Invitae), Labcorp).